The following is an entry in ClinVar:

NM_001754.5(RUNX1):c.484A>G (p.Arg162Gly)

Genes: RUNX1-AS1 (RUNX1 antisense RNA 1; plus strand), RUNX1 (RUNX family transcription factor 1; minus strand). Cytogenetic location: 21q22.12.
Variant type: single nucleotide variant.
Coding change: c.484A>G on transcript NM_001754.5 (MANE Select); coding-DNA position 484, A replaced by G.
Protein change: p.Arg162Gly; replaces arginine 162 with glycine.
Molecular consequence: missense variant.
Genome position (GRCh38, 1-based): chr21:34,880,581, T>C on the plus strand (A>G on the coding strand, the complement: RUNX1 is on the minus strand). VCF-style: chr21-34880581-T-C. GRCh37 (hg19) VCF-style: chr21-36252878-T-C.
Other names: NM_001754.5(RUNX1):c.484A>G; p.Arg162Gly; c.403A>G, p.Arg135Gly (NM_001001890.3, NM_001122607.2); short protein forms R162G, R135G.
Identifiers: ClinVar variation 376022 (VCV000376022.17), dbSNP rs1057519751, ClinGen allele CA16602491.

ClinVar aggregate classification (germline): Pathogenic. Review status: reviewed by expert panel (3 of 4 stars). 4 submissions from 4 submitters: Pathogenic (1). 3 of the submissions do not count toward it. Last evaluated 2026-04-29.

Conditions:
Inborn genetic diseases. Identifiers: MedGen C0950123, MeSH D030342.
Hereditary thrombocytopenia and hematologic cancer predisposition syndrome. Identifiers: Orphanet 71290, MedGen CN281654, MONDO:0011071.
Hereditary thrombocytopenia and hematological cancer predisposition syndrome associated with RUNX1. Also called: PLATELET DISORDER, ASPIRIN-LIKE; Familial Platelet Disorder with Propensity to Acute Myelogenous Leukemia; Familial thrombocytopenia with propensity to acute myelogenous leukemia; RUNX1 Familial Platelet Disorder with Associated Myeloid Malignancies. Identifiers: Orphanet 71290, MedGen C1832388, MeSH C563324, MONDO:0100083, OMIM 601399.
Abnormal platelet function. Identifiers: MedGen C0855740, HP:0011869.

Allele frequency attached by ClinVar (database versions not stated): gnomAD exomes below 0.00001.
gnomAD v4.1: 1 of 1,614,134 alleles (0.000062%); highest among the groups gnomAD compares: Non-Finnish European, 0.000085%; no homozygotes.

Submissions (4):

ClinGen Myeloid Malignancy Variant Curation Expert Panel
Classification: Pathogenic for Hereditary thrombocytopenia and hematologic cancer predisposition syndrome. Last evaluated: 2026-04-29. Review status: reviewed by expert panel. Criteria: ClinGen MyeloMalig ACMG Specifications V3.1. Collection method: curation. Allele origin: germline. Inheritance: Autosomal dominant inheritance.
Comment: NM_001754.5(RUNX1):c.484A>G (p.Arg162Gly) is a missense variant which affects one of the hotspot residues (R162) in the RHD (PM1_strong) and has a MAF ≤ 0.00005 in gnomAD v4 across all subpopulations with at least 20x coverage for RUNX1 (PM2_supporting). This variant has been reported in a proband meeting at least one of the RUNX1 phenotypic criteria and was found to co-segregate with disease in four affected family members (PMID: 37738626)(PS4_supporting, PP1). Functional data demonstrated reduced DNA and CBFβ binding (PMID: 17290219), as well as impaired erythropoiesis (PMID: 17234761, 21725049)(PS3_moderate), and a REVEL score ≥ 0.88 (0.885)(PP3). In summary, this variant meets criteria to be classified as pathogenic. ACMG/AMP criteria applied, as specified by the ClinGen Myeloid Malignancy Variant Curation Expert Panel for RUNX1: PM1_strong, PM2_supporting, PS4_supporting, PP1, PS3_moderate, PP3.

Ambry Genetics
Classification: Uncertain significance for Inborn genetic diseases. Last evaluated: 2025-03-28. Review status: criteria provided, single submitter. Criteria: Ambry Variant Classification Scheme 2023. Collection method: clinical testing. Allele origin: germline. Not counted in ClinVar's aggregate classification.
Comment: The p.R162G variant (also known as c.484A>G), located in coding exon 4 of the RUNX1 gene, results from an A to G substitution at nucleotide position 484. The arginine at codon 162 is replaced by glycine, an amino acid with dissimilar properties. This amino acid position is highly conserved in available vertebrate species. In addition, this alteration is predicted to be deleterious by in silico analysis. Based on the available evidence, the clinical significance of this variant remains unclear.

Labcorp Genetics (formerly Invitae), Labcorp
Classification: Uncertain significance for Hereditary thrombocytopenia and hematological cancer predisposition syndrome associated with RUNX1. Last evaluated: 2024-06-14. Review status: criteria provided, single submitter. Criteria: Invitae Variant Classification Sherloc (09022015). Collection method: clinical testing. Allele origin: germline. Not counted in ClinVar's aggregate classification.
Comment: This sequence change replaces arginine, which is basic and polar, with glycine, which is neutral and non-polar, at codon 162 of the RUNX1 protein (p.Arg162Gly). This variant is not present in population databases (gnomAD no frequency). This missense change has been observed in individual(s) with clinical features of RUNX1-related conditions (PMID: 31064749). This variant is also known as p.R135G. ClinVar contains an entry for this variant (Variation ID: 376022). Advanced modeling of protein sequence and biophysical properties (such as structural, functional, and spatial information, amino acid conservation, physicochemical variation, residue mobility, and thermodynamic stability) performed at Invitae indicates that this missense variant is expected to disrupt RUNX1 protein function with a positive predictive value of 80%. Experimental studies have shown that this missense change affects RUNX1 function (PMID: 12807882, 17234761, 24523240). In summary, the available evidence is currently insufficient to determine the role of this variant in disease. Therefore, it has been classified as a Variant of Uncertain Significance.

NIHR Bioresource Rare Diseases, University of Cambridge
Classification: Uncertain significance for Abnormal platelet function. Last evaluated: 2019-02-01. Review status: criteria provided, single submitter. Criteria: ACMG Guidelines, 2015. Collection method: research. Allele origin: unknown. Affected: yes. Observed: 1 heterozygote. Study: ThromboGenomics. Not counted in ClinVar's aggregate classification.

Literature cited by the submitters: PubMed 12807882 (cited by ClinGen Myeloid Malignancy Variant Curation Expert Panel and Labcorp Genetics (formerly Invitae), Labcorp); PubMed 19808697 (cited by ClinGen Myeloid Malignancy Variant Curation Expert Panel); PubMed 11276260 (cited by ClinGen Myeloid Malignancy Variant Curation Expert Panel); PubMed 12377125 (cited by ClinGen Myeloid Malignancy Variant Curation Expert Panel); PubMed 27294619 (cited by ClinGen Myeloid Malignancy Variant Curation Expert Panel); PubMed 12393679 (cited by ClinGen Myeloid Malignancy Variant Curation Expert Panel); PubMed 28231333 (cited by ClinGen Myeloid Malignancy Variant Curation Expert Panel); PubMed 31064749 (cited by Labcorp Genetics (formerly Invitae), Labcorp and NIHR Bioresource Rare Diseases, University of Cambridge); PubMed 17234761 (cited by Labcorp Genetics (formerly Invitae), Labcorp); PubMed 24523240 (cited by Labcorp Genetics (formerly Invitae), Labcorp).